The following is an entry in ClinVar:

ClinVar aggregate classification (germline): Pathogenic (1 of 4 stars; one submission).

Conditions:
X-linked Alport syndrome (ATS1). Also called: NEPHROPATHY AND DEAFNESS, X-LINKED; COL4A5-Related Nephropathy. Identifiers: Orphanet 63, Orphanet 88917, MedGen C4746986, MONDO:0010520, OMIM 301050.

Submission:

Myriad Genetics, Inc.
Classification: Pathogenic for X-linked Alport syndrome. Last evaluated: 2023-09-27. Review status: criteria provided, single submitter. Criteria: Myriad Autosomal Dominant, Autosomal Recessive and X-Linked Classification Criteria (2023). Collection method: clinical testing. Allele origin: unknown.
Comment: NM_000495.4(COL4A5):c.2539dupG(D847Gfs*8) is expected to be pathogenic in the context of X-linked Alport syndrome. This variant is predicted to lead to an abnormal or absent protein product due to the creation of a premature termination codon in COL4A5, a gene where loss-of-function variants are known to be pathogenic. Please note: this variant was assessed in the context of healthy population screening.

NM_033380.3(COL4A5):c.2539dup (p.Asp847fs)

Gene: COL4A5 (collagen type IV alpha 5 chain; plus strand). Cytogenetic location: Xq22.3.
Variant type: Duplication.
Coding change: c.2539dup on transcript NM_033380.3 (MANE Select); coding-DNA position 2539, one base duplicated (G; older notation c.2539dupG).
Protein change: p.Asp847fs; shifts the reading frame from aspartic acid 847.
Molecular consequence: frameshift variant.
Genome position (GRCh38, 1-based): chrX:108,620,288, G duplicated; the last of 5 consecutive G bases (chrX:108,620,284-108,620,288); duplicating any one gives the same sequence. VCF-style (leftmost placement, unchanged base first): chrX-108620283-A-AG. GRCh37 (hg19) VCF-style: chrX-107863513-A-AG.
Other names: c.2539dup, p.Asp847fs (NM_000495.5); short protein forms D847fs.
Identifiers: ClinVar variation 5011798 (VCV005011798.1).